The following is an entry in ClinVar:

NM_006514.4(SCN10A):c.5410C>G (p.Leu1804Val)

Gene: SCN10A (sodium voltage-gated channel alpha subunit 10; minus strand). Cytogenetic location: 3p22.2.
Variant type: single nucleotide variant.
Coding change: c.5410C>G on transcript NM_006514.4 (MANE Select); coding-DNA position 5410, C replaced by G.
Protein change: p.Leu1804Val; replaces leucine 1804 with valine.
Molecular consequence: missense variant.
Genome position (GRCh38, 1-based): chr3:38,697,810, G>C on the plus strand (C>G on the coding strand, the complement: SCN10A is on the minus strand). VCF-style: chr3-38697810-G-C. GRCh37 (hg19) VCF-style: chr3-38739301-G-C.
Other names: c.5407C>G, p.Leu1803Val (NM_001293306.2); c.5116C>G, p.Leu1706Val (NM_001293307.2); short protein forms L1803V, L1804V, L1706V.
Identifiers: ClinVar variation 4826132 (VCV004826132.1).

ClinVar aggregate classification (germline): Uncertain significance (1 of 4 stars; one submission).

Conditions:
Cardiovascular phenotype. Identifiers: MedGen CN230736.

Submission:

Ambry Genetics
Classification: Uncertain significance for Cardiovascular phenotype. Last evaluated: 2026-03-07. Review status: criteria provided, single submitter. Criteria: Ambry Variant Classification Scheme 2023. Collection method: clinical testing. Allele origin: germline.
Comment: The p.L1804V variant (also known as c.5410C>G), located in coding exon 27 of the SCN10A gene, results from a C to G substitution at nucleotide position 5410. The leucine at codon 1804 is replaced by valine, an amino acid with highly similar properties. This amino acid position is conserved. In addition, this alteration is predicted to be deleterious by in silico analysis. Based on the available evidence, the clinical significance of this variant remains unclear.